The following is an entry in ClinVar:

NM_006567.5(FARS2):c.852A>C (p.Glu284Asp)

Gene: FARS2 (phenylalanyl-tRNA synthetase 2, mitochondrial; plus strand). Cytogenetic location: 6p25.1.
Variant type: single nucleotide variant.
Coding change: c.852A>C on transcript NM_006567.5 (MANE Select); coding-DNA position 852, A replaced by C.
Protein change: p.Glu284Asp; replaces glutamic acid 284 with aspartic acid.
Molecular consequence: missense variant. On other transcripts: intron variant (1).
Genome position (GRCh38, 1-based): chr6:5,431,120, A>C. VCF-style: chr6-5431120-A-C. GRCh37 (hg19) VCF-style: chr6-5431353-A-C.
Other names: c.852A>C, p.Glu284Asp (NM_001318872.2, NM_001374875.1, NM_001374876.1 and 4 more transcripts); c.156A>C, p.Glu52Asp (NM_001375259.1, NM_001375260.1); c.772+26419A>C (NM_001375258.1); short protein forms E284D, E52D.
Identifiers: ClinVar variation 1438412 (VCV001438412.4), dbSNP rs772624228, ClinGen allele CA3623772.

ClinVar aggregate classification (germline): Uncertain significance (1 of 4 stars; one submission).

Conditions:
Combined oxidative phosphorylation defect type 14. Also called: Combined oxidative phosphorylation deficiency 14. Identifiers: Orphanet 319519, MedGen C4755312, MONDO:0013986, OMIM 614946.

Allele frequency attached by ClinVar (database versions not stated): gnomAD exomes below 0.00001; ExAC 0.00001.
gnomAD v4.1: 6 of 1,613,826 alleles (0.00037%); highest among the groups gnomAD compares: Non-Finnish European, 0.00051%; no homozygotes.

Submission:

Labcorp Genetics (formerly Invitae), Labcorp
Classification: Uncertain significance for Combined oxidative phosphorylation defect type 14. Last evaluated: 2025-09-26. Review status: criteria provided, single submitter. Criteria: Invitae Variant Classification Sherloc (09022015). Collection method: clinical testing. Allele origin: germline.
Comment: This sequence change replaces glutamic acid, which is acidic and polar, with aspartic acid, which is acidic and polar, at codon 284 of the FARS2 protein (p.Glu284Asp). This variant is present in population databases (rs772624228, gnomAD 0.0009%). This variant has not been reported in the literature in individuals affected with FARS2-related conditions. ClinVar contains an entry for this variant (Variation ID: 1438412). Invitae Evidence Modeling of protein sequence and biophysical properties (such as structural, functional, and spatial information, amino acid conservation, physicochemical variation, residue mobility, and thermodynamic stability) indicates that this missense variant is not expected to disrupt FARS2 protein function with a negative predictive value of 95%. In summary, the available evidence is currently insufficient to determine the role of this variant in disease. Therefore, it has been classified as a Variant of Uncertain Significance.